The following is an entry in ClinVar:

NM_001367561.1(DOCK7):c.346T>A (p.Cys116Ser)

Gene: DOCK7 (dedicator of cytokinesis 7; minus strand). Cytogenetic location: 1p31.3.
Variant type: single nucleotide variant.
Coding change: c.346T>A on transcript NM_001367561.1 (MANE Select); coding-DNA position 346, T replaced by A.
Protein change: p.Cys116Ser; replaces cysteine 116 with serine.
Molecular consequence: missense variant.
Genome position (GRCh38, 1-based): chr1:62,653,768, A>T on the plus strand (T>A on the coding strand, the complement: DOCK7 is on the minus strand). VCF-style: chr1-62653768-A-T. GRCh37 (hg19) VCF-style: chr1-63119439-A-T.
Other names: c.346T>A, p.Cys116Ser (NM_001271999.2, NM_001272000.2, NM_001272001.2 and 3 more transcripts); short protein forms C116S.
Identifiers: ClinVar variation 953218 (VCV000953218.10), dbSNP rs1657656444, ClinGen allele CA340703899.

ClinVar aggregate classification (germline): Uncertain significance (1 of 4 stars; one submission).

Conditions:
Developmental and epileptic encephalopathy, 23 (DEE23). Also called: Epileptic encephalopathy, early infantile, 23. Identifiers: Orphanet 411986, MedGen C4014492, MONDO:0014371, OMIM 615859.

Submission:

Labcorp Genetics (formerly Invitae), Labcorp
Classification: Uncertain significance for Developmental and epileptic encephalopathy, 23. Last evaluated: 2020-06-06. Review status: criteria provided, single submitter. Criteria: Invitae Variant Classification Sherloc (09022015). Collection method: clinical testing. Allele origin: germline.
Comment: Algorithms developed to predict the effect of missense changes on protein structure and function are either unavailable or do not agree on the potential impact of this missense change (SIFT: "Deleterious"; PolyPhen-2: "Benign"; Align-GVGD: "Class C0"). In summary, the available evidence is currently insufficient to determine the role of this variant in disease. Therefore, it has been classified as a Variant of Uncertain Significance. This variant has not been reported in the literature in individuals with DOCK7-related conditions. This variant is not present in population databases (ExAC no frequency). This sequence change replaces cysteine with serine at codon 116 of the DOCK7 protein (p.Cys116Ser). The cysteine residue is moderately conserved and there is a moderate physicochemical difference between cysteine and serine.